The following is an entry in ClinVar:

NM_177438.3(DICER1):c.3494A>G (p.His1165Arg)

Gene: DICER1 (dicer 1, ribonuclease III; minus strand). Cytogenetic location: 14q32.13.
Variant type: single nucleotide variant.
Coding change: c.3494A>G on transcript NM_177438.3 (MANE Select); coding-DNA position 3494, A replaced by G.
Protein change: p.His1165Arg; replaces histidine 1165 with arginine.
Molecular consequence: missense variant.
Genome position (GRCh38, 1-based): chr14:95,103,902, T>C on the plus strand (A>G on the coding strand, the complement: DICER1 is on the minus strand). VCF-style: chr14-95103902-T-C. GRCh37 (hg19) VCF-style: chr14-95570239-T-C.
Other names: c.3494A>G, p.His1165Arg (NM_001195573.1, NM_001271282.3, NM_001291628.2 and 1 more transcripts); short protein forms H1165R.
Identifiers: ClinVar variation 1472258 (VCV001472258.9), dbSNP rs2139967214, ClinGen allele CA390875193.

ClinVar aggregate classification (germline): Uncertain significance (1 of 4 stars; one submission).

Conditions:
DICER1-related tumor predisposition. Also called: DICER1-related pleuropulmonary blastoma cancer predisposition syndrome; DICER1 syndrome. Identifiers: Orphanet 284343, MedGen C3839822, MONDO:0100216.

Submission:

Labcorp Genetics (formerly Invitae), Labcorp
Classification: Uncertain significance for DICER1-related tumor predisposition. Last evaluated: 2021-05-19. Review status: criteria provided, single submitter. Criteria: Invitae Variant Classification Sherloc (09022015). Collection method: clinical testing. Allele origin: germline.
Comment: In summary, the available evidence is currently insufficient to determine the role of this variant in disease. Therefore, it has been classified as a Variant of Uncertain Significance. Algorithms developed to predict the effect of missense changes on protein structure and function (SIFT, PolyPhen-2, Align-GVGD) all suggest that this variant is likely to be tolerated, but these predictions have not been confirmed by published functional studies and their clinical significance is uncertain. This variant has not been reported in the literature in individuals with DICER1-related conditions. This variant is not present in population databases (ExAC no frequency). This sequence change replaces histidine with arginine at codon 1165 of the DICER1 protein (p.His1165Arg). The histidine residue is weakly conserved and there is a small physicochemical difference between histidine and arginine.